The following is an entry in ClinVar:

ClinVar aggregate classification (germline): Uncertain significance. Review status: criteria provided, multiple submitters, no conflicts (2 of 4 stars). 3 submissions from 3 submitters: Uncertain significance (3). Last evaluated 2024-10-09.

Allele frequency attached by ClinVar (database versions not stated): ExAC 0.00005; TOPMed 0.00006; gnomAD exomes 0.00007 and 0.00008; ESP Exome Variant Server 0.00008; gnomAD 0.00011; 1000 Genomes Project 30x 0.00016; 1000 Genomes Project 0.00020.

Submissions (3):

Blueprint Genetics
Classification: Uncertain significance. Last evaluated: 2024-10-09. Review status: criteria provided, single submitter. Criteria: ACMG Guidelines, 2015. Collection method: clinical testing. Allele origin: germline.

Labcorp Genetics (formerly Invitae), Labcorp
Classification: Uncertain significance. Last evaluated: 2024-09-27. Review status: criteria provided, single submitter. Criteria: Invitae Variant Classification Sherloc (09022015). Collection method: clinical testing. Allele origin: germline.
Comment: This sequence change replaces arginine, which is basic and polar, with tryptophan, which is neutral and slightly polar, at codon 88 of the SH3PXD2B protein (p.Arg88Trp). This variant is present in population databases (rs191035319, gnomAD 0.02%). This variant has not been reported in the literature in individuals affected with SH3PXD2B-related conditions. ClinVar contains an entry for this variant (Variation ID: 1062875). An algorithm developed to predict the effect of missense changes on protein structure and function (PolyPhen-2) suggests that this variant is likely to be disruptive. In summary, the available evidence is currently insufficient to determine the role of this variant in disease. Therefore, it has been classified as a Variant of Uncertain Significance.

Women's Health and Genetics/Laboratory Corporation of America, LabCorp
Classification: Uncertain significance. Last evaluated: 2023-03-30. Review status: criteria provided, single submitter. Criteria: LabCorp Variant Classification Summary - May 2015. Collection method: clinical testing. Allele origin: germline.
Comment: Variant summary: SH3PXD2B c.262C>T (p.Arg88Trp) results in a non-conservative amino acid change located in the Phox homology domain (IPR001683) of the encoded protein sequence. Five of five in-silico tools predict a damaging effect of the variant on protein function. The variant allele was found at a frequency of 7.2e-05 in 251286 control chromosomes (gnomAD). To our knowledge, no occurrence of c.262C>T in individuals affected with Frank-Ter Haar Syndrom and no experimental evidence demonstrating its impact on protein function have been reported. One clinical diagnostic laboratory has submitted clinical-significance assessments for this variant to ClinVar after 2014 without evidence for independent evaluation and classified the variant as uncertain significance. Based on the evidence outlined above, the variant was classified as uncertain significance.

NM_001017995.3(SH3PXD2B):c.262C>T (p.Arg88Trp)

Gene: SH3PXD2B (SH3 and PX domains 2B; minus strand). Cytogenetic location: 5q35.1.
Variant type: single nucleotide variant.
Coding change: c.262C>T on transcript NM_001017995.3 (MANE Select); coding-DNA position 262, C replaced by T.
Protein change: p.Arg88Trp; replaces arginine 88 with tryptophan.
Molecular consequence: missense variant.
Genome position (GRCh38, 1-based): chr5:172,394,610, G>A on the plus strand (C>T on the coding strand, the complement: SH3PXD2B is on the minus strand). VCF-style: chr5-172394610-G-A. GRCh37 (hg19) VCF-style: chr5-171821614-G-A.
Other names: c.262C>T, p.Arg88Trp (NM_001308175.2); c.262C>T (NM_001017995.2); short protein forms R88W.
Identifiers: ClinVar variation 1062875 (VCV001062875.8), dbSNP rs191035319, ClinGen allele CA3561614.